The following is an entry in ClinVar:

ClinVar aggregate classification (germline): Uncertain significance. Review status: criteria provided, multiple submitters, no conflicts (2 of 4 stars). 2 submissions from 2 submitters: Uncertain significance (2). Last evaluated 2023-12-04.

Conditions:
Familial thoracic aortic aneurysm and aortic dissection (TAAD). Also called: Thoracic aortic aneurysms and dissections. Identifiers: Orphanet 91387, MedGen C4707243, MONDO:0019625.
Marfan syndrome (MFS). Also called: Marfan syndrome, classic; Marfan syndrome type 1; Marfan's syndrome; FBN1-Related Marfan Syndrome; MARFAN SYNDROME, TYPE I. Identifiers: Orphanet 284963, Orphanet 558, MedGen C0024796, MONDO:0007947, OMIM 154700.

Allele frequency attached by ClinVar (database versions not stated): gnomAD exomes below 0.00001.
gnomAD v4.1: 4 of 1,614,148 alleles (0.00025%); highest among the groups gnomAD compares: Non-Finnish European, 0.00034%; no homozygotes.

Submissions (2):

Color Diagnostics, LLC DBA Color Health
Classification: Uncertain significance for Familial thoracic aortic aneurysm and aortic dissection. Last evaluated: 2023-12-04. Review status: criteria provided, single submitter. Criteria: ACMG Guidelines, 2015. Collection method: clinical testing. Allele origin: germline.
Comment: This missense variant replaces proline with serine at codon 1515 of the FBN1 protein. Computational prediction suggests that this variant may not impact protein structure and function (internally defined REVEL score threshold <= 0.5, PMID: 27666373). To our knowledge, functional studies have not been reported for this variant. This variant has not been reported in individuals affected with FBN1-related disorders in the literature. This variant has not been identified in the general population by the Genome Aggregation Database (gnomAD). The available evidence is insufficient to determine the role of this variant in disease conclusively. Therefore, this variant is classified as a Variant of Uncertain Significance.

Institute of Human Genetics, University of Goettingen
Classification: Uncertain significance for Marfan syndrome. Last evaluated: 2020-10-23. Review status: criteria provided, single submitter. Criteria: ACMG Guidelines, 2015. Collection method: clinical testing. Allele origin: germline. Inheritance: Autosomal dominant inheritance. Observed: 1 heterozygote.

NM_000138.5(FBN1):c.4543C>T (p.Pro1515Ser)

Gene: FBN1 (fibrillin 1; minus strand). Cytogenetic location: 15q21.1.
Variant type: single nucleotide variant.
Coding change: c.4543C>T on transcript NM_000138.5 (MANE Select); coding-DNA position 4543, C replaced by T.
Protein change: p.Pro1515Ser; replaces proline 1515 with serine.
Molecular consequence: missense variant.
Genome position (GRCh38, 1-based): chr15:48,468,451, G>A on the plus strand (C>T on the coding strand, the complement: FBN1 is on the minus strand). VCF-style: chr15-48468451-G-A. GRCh37 (hg19) VCF-style: chr15-48760648-G-A.
Other names: short protein forms P1515S.
Identifiers: ClinVar variation 920832 (VCV000920832.6), dbSNP rs1219583611, ClinGen allele CA392353458.